The following is an entry in ClinVar:

ClinVar aggregate classification (germline): Pathogenic/Likely pathogenic. Review status: criteria provided, multiple submitters, no conflicts (2 of 4 stars). 2 submissions from 2 submitters: Pathogenic (1); Likely pathogenic (1). Last evaluated 2026-01-26.

Conditions:
SIN3A-related intellectual disability syndrome due to a point mutation. Also called: WITTEVEEN-KOLK SYNDROME; 15q24 Microdeletion Syndrome. Identifiers: Orphanet 500166, Orphanet 94065, MedGen C4310804, MONDO:0044700, OMIM 613406.

Submissions (2):

Medical and Scientific Branch, Hong Kong Genome Institute
Classification: Likely pathogenic for SIN3A-related intellectual disability syndrome due to a point mutation. Last evaluated: 2026-01-26. Review status: criteria provided, single submitter. Criteria: ACMG Guidelines, 2015. Collection method: clinical testing. Allele origin: paternal. Affected: yes.

Labcorp Genetics (formerly Invitae), Labcorp
Classification: Pathogenic. Last evaluated: 2023-08-17. Review status: criteria provided, single submitter. Criteria: Invitae Variant Classification Sherloc (09022015). Collection method: clinical testing. Allele origin: germline.
Comment: For these reasons, this variant has been classified as Pathogenic. This variant has not been reported in the literature in individuals affected with SIN3A-related conditions. This variant is not present in population databases (gnomAD no frequency). This sequence change creates a premature translational stop signal (p.Gln785Tyrfs*8) in the SIN3A gene. It is expected to result in an absent or disrupted protein product. Loss-of-function variants in SIN3A are known to be pathogenic (PMID: 27399968).

Literature cited by the submitters: PubMed 27399968 (cited by Labcorp Genetics (formerly Invitae), Labcorp).

NM_001145358.2(SIN3A):c.2353_2356del (p.Gln785fs)

Gene: SIN3A (SIN3 transcription regulator family member A; minus strand). Cytogenetic location: 15q24.2.
Variant type: Microsatellite.
Coding change: c.2353_2356del on transcript NM_001145358.2 (MANE Select); coding-DNA positions 2353 to 2356, 4 bases deleted (CAAA; older notation c.2353_2356delCAAA).
Protein change: p.Gln785fs; shifts the reading frame from glutamine 785.
Molecular consequence: frameshift variant.
Genome position (GRCh38, 1-based): chr15:75,392,737-75,392,740, TTTG deleted on the plus strand (CAAA on the coding strand, the reverse complement: SIN3A is on the minus strand); deleting any 4 consecutive bases within chr15:75,392,737-75,392,745 gives the same sequence; the c. name uses the placement nearest the transcript's 3' end. VCF-style (leftmost placement, unchanged base first): chr15-75392736-ATTTG-A. GRCh37 (hg19) VCF-style: chr15-75685077-ATTTG-A.
Other names: c.2353_2356del, p.Gln785fs (NM_001145357.2, NM_015477.3); short protein forms Q785fs.
Identifiers: ClinVar variation 1362953 (VCV001362953.7), dbSNP rs2141426359, ClinGen allele CA2580613294.